The following is an entry in ClinVar:

NM_207352.4(CYP4V2):c.13_24dup (p.Leu8_Val9insTrpLeuGlyLeu)

Genes: CYP4V2 (cytochrome P450 family 4 subfamily V member 2; plus strand), LOC129993526 (ATAC-STARR-seq lymphoblastoid silent region 15858; plus strand). Cytogenetic location: 4q35.1.
Variant type: Duplication.
Coding change: c.13_24dup on transcript NM_207352.4 (MANE Select); coding-DNA positions 13 to 24, 12 bases duplicated (TGGCTGGGGCTC).
Protein change: p.Leu8_Val9insTrpLeuGlyLeu.
Molecular consequence: inframe insertion.
Genome position (GRCh38, 1-based): chr4:186,191,836-186,191,847, TGGCTGGGGCTC duplicated; duplicating any 12 consecutive bases within chr4:186,191,829-186,191,847 gives the same sequence; the c. name uses the placement nearest the transcript's 3' end. VCF-style (leftmost placement, unchanged base first): chr4-186191828-C-CGGGGCTCTGGCT. GRCh37 (hg19) VCF-style: chr4-187112982-C-CGGGGCTCTGGCT.
Identifiers: ClinVar variation 2007926 (VCV002007926.4), dbSNP rs1735991294, ClinGen allele CA1071983347.
Genomic context (GRCh38, chr4:186,191,828, plus strand): 5'-CGCCCCCGCGGGCCCGCACTTTCCCGGAGTGCACCCCGCGGCCGCCAGCCGGGGCGATGG[C>CGGGGCTCTGGCT]GGGGCTCTGGCTGGGGCTCGTGTGGCAGAAGCTGCTGCTGTGGGGCGCGGCGAGTGCCCT-3'

ClinVar aggregate classification (germline): Uncertain significance (1 of 4 stars; one submission).

Submission:

Labcorp Genetics (formerly Invitae), Labcorp
Classification: Uncertain significance. Last evaluated: 2022-06-18. Review status: criteria provided, single submitter. Criteria: Invitae Variant Classification Sherloc (09022015). Collection method: clinical testing. Allele origin: germline.
Comment: This variant is not present in population databases (gnomAD no frequency). This variant, c.13_24dup, results in the insertion of 4 amino acid(s) of the CYP4V2 protein (p.Trp5_Leu8dup), but otherwise preserves the integrity of the reading frame. In summary, the available evidence is currently insufficient to determine the role of this variant in disease. Therefore, it has been classified as a Variant of Uncertain Significance. This variant has not been reported in the literature in individuals affected with CYP4V2-related conditions.